The following is an entry in ClinVar:

NM_016065.4(MRPS16):c.304A>G (p.Met102Val)

Genes: DNAJC9-AS1 (DNAJC9 and MRPS16 antisense RNA 1; plus strand), MRPS16 (mitochondrial ribosomal protein S16; minus strand). Cytogenetic location: 10q22.2.
Variant type: single nucleotide variant.
Coding change: c.304A>G on transcript NM_016065.4 (MANE Select); coding-DNA position 304, A replaced by G.
Protein change: p.Met102Val; replaces methionine 102 with valine.
Molecular consequence: missense variant.
Genome position (GRCh38, 1-based): chr10:73,250,962, T>C on the plus strand (A>G on the coding strand, the complement: MRPS16 is on the minus strand). VCF-style: chr10-73250962-T-C. GRCh37 (hg19) VCF-style: chr10-75010720-T-C.
Other names: c.304A>G (NM_016065.3); short protein forms M102V.
Identifiers: ClinVar variation 1411350 (VCV001411350.7), dbSNP rs376600473, ClinGen allele CA5553342.

ClinVar aggregate classification (germline): Uncertain significance. Review status: criteria provided, multiple submitters, no conflicts (2 of 4 stars). 2 submissions from 2 submitters: Uncertain significance (2). Last evaluated 2025-07-14.

Allele frequency attached by ClinVar (database versions not stated): ExAC 0.00004; gnomAD exomes 0.00004 and 0.00013; ESP Exome Variant Server 0.00008; TOPMed 0.00008; gnomAD 0.00011.

Submissions (2):

Labcorp Genetics (formerly Invitae), Labcorp
Classification: Uncertain significance. Last evaluated: 2025-07-14. Review status: criteria provided, single submitter. Criteria: Invitae Variant Classification Sherloc (09022015). Collection method: clinical testing. Allele origin: germline.
Comment: This sequence change replaces methionine, which is neutral and non-polar, with valine, which is neutral and non-polar, at codon 102 of the MRPS16 protein (p.Met102Val). This variant is present in population databases (rs376600473, gnomAD 0.01%). This variant has not been reported in the literature in individuals affected with MRPS16-related conditions. ClinVar contains an entry for this variant (Variation ID: 1411350). An algorithm developed to predict the effect of missense changes on protein structure and function (PolyPhen-2) suggests that this variant is likely to be tolerated. In summary, the available evidence is currently insufficient to determine the role of this variant in disease. Therefore, it has been classified as a Variant of Uncertain Significance.

Ambry Genetics
Classification: Uncertain significance. Last evaluated: 2023-12-20. Review status: criteria provided, single submitter. Criteria: Ambry Variant Classification Scheme 2023. Collection method: clinical testing. Allele origin: germline.